The following is an entry in ClinVar:

NM_014946.4(SPAST):c.1390G>A (p.Glu464Lys)

Gene: SPAST (spastin; plus strand). Cytogenetic location: 2p22.3.
Variant type: single nucleotide variant.
Coding change: c.1390G>A on transcript NM_014946.4 (MANE Select); coding-DNA position 1390, G replaced by A.
Protein change: p.Glu464Lys; replaces glutamic acid 464 with lysine.
Molecular consequence: missense variant.
Genome position (GRCh38, 1-based): chr2:32,136,945, G>A. VCF-style: chr2-32136945-G-A. GRCh37 (hg19) VCF-style: chr2-32362014-G-A.
Other names: c.1387G>A, p.Glu463Lys (NM_001363823.2); c.1291G>A, p.Glu431Lys (NM_001363875.2); c.1294G>A, p.Glu432Lys (NM_001377959.1, NM_199436.2); short protein forms E431K, E432K, E463K, E464K.
Identifiers: ClinVar variation 943601 (VCV000943601.12), dbSNP rs1679556566, ClinGen allele CA346502314.
Genomic context (GRCh38, chr2:32,136,945, plus strand): 5'-GATAGCCTTTTGTGTGAAAGAAGAGAAGGGGAGCACGATGCTAGTAGACGCCTAAAAACT[G>A]AATTTCTAATAGAATTTGATGGTGTAAGTGTTGATTATGATATTTTTAATGTGGCAGCAT-3'
Protein context (NP_055761.2, residues 454-474): EHDASRRLKT[Glu464Lys]FLIEFDGVQS

ClinVar aggregate classification (germline): Conflicting classifications of pathogenicity. Review status: criteria provided, conflicting classifications (1 of 4 stars). 3 submissions from 3 submitters: Pathogenic (1); Likely pathogenic (1); Uncertain significance (1). Last evaluated 2020-03-01.

Conditions:
Hereditary spastic paraplegia 4. Also called: Spastic paraplegia 4, autosomal dominant; Spastic Paraplegia 4; Familial spastic paraplegia autosomal dominant 2. Identifiers: Orphanet 100985, MedGen C1866855, MONDO:0008438, OMIM 182601.
Hereditary spastic paraplegia. Also called: Familial spastic paraparesis. Identifiers: Orphanet 685, MedGen C0037773, MONDO:0019064. Disease mechanism: loss of function.

Submissions (3):

Genome Diagnostics Laboratory, The Hospital for Sick Children
Classification: Likely pathogenic for Hereditary spastic paraplegia. Last evaluated: 2020-03-01. Review status: criteria provided, single submitter. Criteria: ACMG Guidelines, 2015. Collection method: clinical testing. Allele origin: germline. Affected: yes.

Labcorp Genetics (formerly Invitae), Labcorp
Classification: Uncertain significance for Hereditary spastic paraplegia 4. Last evaluated: 2019-08-27. Review status: criteria provided, single submitter. Criteria: Invitae Variant Classification Sherloc (09022015). Collection method: clinical testing. Allele origin: germline.
Comment: This sequence change replaces glutamic acid with lysine at codon 464 of the SPAST protein (p.Glu464Lys). The glutamic acid residue is highly conserved and there is a small physicochemical difference between glutamic acid and lysine. This variant is not present in population databases (ExAC no frequency). This variant has not been reported in the literature in individuals with SPAST-related conditions. Algorithms developed to predict the effect of missense changes on protein structure and function (SIFT, PolyPhen-2, Align-GVGD) all suggest that this variant is likely to be disruptive, but these predictions have not been confirmed by published functional studies and their clinical significance is uncertain. This variant disrupts the p.Glu464 amino acid residue in SPAST. Other variant(s) that disrupt this residue (p.Glu464Asp, p.Glu464Ala) have been observed in individuals with SPAST-related conditions (PMID: 23252998, 20718791), which suggests that this may be a clinically significant amino acid residue. In summary, the available evidence is currently insufficient to determine the role of this variant in disease. Therefore, it has been classified as a Variant of Uncertain Significance.

Genetic Foundation of Khorasan Razavi (GFKR)
Classification: Pathogenic for Hereditary spastic paraplegia 4. Review status: criteria provided, single submitter. Criteria: ACMG Guidelines, 2015. Collection method: clinical testing. Allele origin: de novo. Inheritance: Autosomal dominant inheritance. Affected: yes.
Comment: this variant is located in a critical and well-established functional domain of the protein (PM1), and the gene is known to be intolerant to benign missense variation. The variant is absent from population databases, consistent with rarity expected for a pathogenic allele. Other pathogenic missense variants affecting the same amino acid residue have been reported. Computational predictions consistently indicate a deleterious effect on protein function. Although previous submissions to ClinVar reported this variant as likely pathogenic or of uncertain significance(VCV000943601.11), current evidence including functional data, segregation analysis, and rarity in population databases supports a pathogenic classification according to ACMG/AMP guidelines.

Literature cited by the submitters: PubMed 23252998 (cited by Labcorp Genetics (formerly Invitae), Labcorp); PubMed 20718791 (cited by Labcorp Genetics (formerly Invitae), Labcorp).